The following is an entry in ClinVar:

NM_015046.7(SETX):c.6712G>A (p.Glu2238Lys)

Gene: SETX (senataxin; minus strand). Cytogenetic location: 9q34.13.
Variant type: single nucleotide variant.
Coding change: c.6712G>A on transcript NM_015046.7 (MANE Select); coding-DNA position 6712, G replaced by A.
Protein change: p.Glu2238Lys; replaces glutamic acid 2238 with lysine.
Molecular consequence: missense variant.
Genome position (GRCh38, 1-based): chr9:132,278,200, C>T on the plus strand (G>A on the coding strand, the complement: SETX is on the minus strand). VCF-style: chr9-132278200-C-T. GRCh37 (hg19) VCF-style: chr9-135153587-C-T.
Other names: c.6712G>A, p.Glu2238Lys (NM_001351527.2, NM_001351528.2); short protein forms E2238K.
Identifiers: ClinVar variation 1388260 (VCV001388260.6), dbSNP rs2131182464, ClinGen allele CA375331428.

ClinVar aggregate classification (germline): Uncertain significance (1 of 4 stars; one submission).

Conditions:
Spinocerebellar ataxia, autosomal recessive, with axonal neuropathy 2 (SCAN2). Also called: ATAXIA-OCULOMOTOR APRAXIA 2; Ataxia with Oculomotor Apraxia; Ataxia-ocular apraxia-2; Ataxia with Oculomotor Apraxia Type 2. Identifiers: Orphanet 64753, MedGen C1853761, MONDO:0018996, OMIM 606002.
Amyotrophic lateral sclerosis type 4 (ALS4). Also called: AMYOTROPHIC LATERAL SCLEROSIS 4, JUVENILE; NEURONOPATHY, DISTAL HEREDITARY MOTOR, WITH PYRAMIDAL FEATURES. Identifiers: Orphanet 357043, MedGen C1865409, MONDO:0011223, OMIM 602433.

Allele frequency attached by ClinVar (database versions not stated): gnomAD exomes below 0.00001.
gnomAD v4.1: 1 of 1,614,182 alleles (0.000062%); highest among the groups gnomAD compares: Non-Finnish European, 0.000085%; no homozygotes.

Submission:

Labcorp Genetics (formerly Invitae), Labcorp
Classification: Uncertain significance for Amyotrophic lateral sclerosis type 4; Spinocerebellar ataxia, autosomal recessive, with axonal neuropathy 2. Last evaluated: 2022-08-23. Review status: criteria provided, single submitter. Criteria: Invitae Variant Classification Sherloc (09022015). Collection method: clinical testing. Allele origin: germline.
Comment: This sequence change replaces glutamic acid, which is acidic and polar, with lysine, which is basic and polar, at codon 2238 of the SETX protein (p.Glu2238Lys). This variant is not present in population databases (gnomAD no frequency). This variant has not been reported in the literature in individuals affected with SETX-related conditions. ClinVar contains an entry for this variant (Variation ID: 1388260). Advanced modeling of protein sequence and biophysical properties (such as structural, functional, and spatial information, amino acid conservation, physicochemical variation, residue mobility, and thermodynamic stability) performed at Invitae indicates that this missense variant is expected to disrupt SETX protein function. In summary, the available evidence is currently insufficient to determine the role of this variant in disease. Therefore, it has been classified as a Variant of Uncertain Significance.